The following is an entry in ClinVar:

NM_000262.3(NAGA):c.913del (p.Ile305fs)

Gene: NAGA (alpha-N-acetylgalactosaminidase; minus strand). Cytogenetic location: 22q13.2.
Variant type: Deletion.
Coding change: c.913del on transcript NM_000262.3 (MANE Select); coding-DNA position 913, one base deleted (A; older notation c.913delA).
Protein change: p.Ile305fs; shifts the reading frame from isoleucine 305.
Molecular consequence: frameshift variant.
Genome position (GRCh38, 1-based): chr22:42,062,871, T deleted on the plus strand (A on the coding strand, the reverse complement: NAGA is on the minus strand); the first of 4 consecutive T bases (chr22:42,062,871-42,062,874); deleting any one gives the same sequence. VCF-style (leftmost placement, unchanged base first): chr22-42062870-AT-A. GRCh37 (hg19) VCF-style: chr22-42458874-AT-A.
Other names: c.913del, p.Ile305fs (NM_001362848.1, NM_001362850.1); short protein forms I305fs.
Identifiers: ClinVar variation 4735205 (VCV004735205.1).

ClinVar aggregate classification (germline): Pathogenic (1 of 4 stars; one submission).

Conditions:
Alpha-N-acetylgalactosaminidase deficiency type 1. Also called: SCHINDLER DISEASE, TYPE I; ALPHA-N-ACETYLGALACTOSAMINIDASE DEFICIENCY, TYPE I; NAGA DEFICIENCY, TYPE I; NEUROAXONAL DYSTROPHY, SCHINDLER TYPE. Identifiers: Orphanet 3137, Orphanet 79279, Orphanet 79281, MedGen C1836544, MONDO:0012221, OMIM 609241.

Submission:

Labcorp Genetics (formerly Invitae), Labcorp
Classification: Pathogenic for Alpha-N-acetylgalactosaminidase deficiency type 1. Last evaluated: 2026-01-12. Review status: criteria provided, single submitter. Criteria: Invitae Variant Classification Sherloc (09022015). Collection method: clinical testing. Allele origin: germline.
Comment: This sequence change creates a premature translational stop signal (p.Ile305Serfs*6) in the NAGA gene. It is expected to result in an absent or disrupted protein product. Loss-of-function variants in NAGA are known to be pathogenic (PMID: 8782044, 11251574). This variant is not present in population databases (gnomAD no frequency). This variant has not been reported in the literature in individuals affected with NAGA-related conditions. For these reasons, this variant has been classified as Pathogenic.

Literature cited by the submitters: PubMed 8782044; PubMed 11251574.